The following is an entry in ClinVar:

NM_000321.3(RB1):c.54_73dup (p.Pro25fs)

Gene: RB1 (RB transcriptional corepressor 1; plus strand). Cytogenetic location: 13q14.2.
Variant type: Duplication.
Coding change: c.54_73dup on transcript NM_000321.3 (MANE Select); coding-DNA positions 54 to 73, 20 bases duplicated (GGAACCCCCGGCACCGCCGC).
Protein change: p.Pro25fs; shifts the reading frame from proline 25.
Molecular consequence: frameshift variant.
Genome position (GRCh38, 1-based): chr13:48,303,966-48,303,985, GGAACCCCCGGCACCGCCGC duplicated; duplicating any 20 consecutive bases within chr13:48,303,959-48,303,985 gives the same sequence; the c. name uses the placement nearest the transcript's 3' end. VCF-style (leftmost placement, unchanged base first): chr13-48303958-G-GCCGCCGCGGAACCCCCGGCA. GRCh37 (hg19) VCF-style: chr13-48878094-G-GCCGCCGCGGAACCCCCGGCA.
Other names: short protein forms P25fs.
Identifiers: ClinVar variation 458171 (VCV000458171.8), dbSNP rs1555279212, ClinGen allele CA658658234.
Genomic context (GRCh38, chr13:48,303,958, plus strand): 5'-CCGCGGAAAGGCGTCATGCCGCCCAAAACCCCCCGAAAAACGGCCGCCACCGCCGCCGCT[G>GCCGCCGCGGAACCCCCGGCA]CCGCCGCGGAACCCCCGGCACCGCCGCCGCCGCCCCCTCCTGAGGAGGACCCAGAGCAGG-3'

ClinVar aggregate classification (germline): Pathogenic (1 of 4 stars; one submission).

Conditions:
Retinoblastoma (RB1). Also called: RETINOBLASTOMA, SOMATIC. Identifiers: Orphanet 790, MedGen C0035335, MeSH D012175, MONDO:0008380, OMIM 180200, HP:0009919. Disease mechanism: loss of function. Inheritance: Both sporadic and heritable forms are tested..

Submission:

Labcorp Genetics (formerly Invitae), Labcorp
Classification: Pathogenic for Retinoblastoma. Last evaluated: 2017-05-21. Review status: criteria provided, single submitter. Criteria: Invitae Variant Classification Sherloc (09022015). Collection method: clinical testing. Allele origin: germline.
Comment: Loss-of-function variants in RB1 are known to be pathogenic (PMID: 17096365). This variant has been reported in an individual affected with retinoblastoma (PMID: 24688104). This variant is also referred to as c.46_65dup20 in the literature. While this variant is not present in population databases, the frequency information is unreliable, as metrics indicate poor data quality at this position in the ExAC database. This sequence change creates a premature translational stop signal (p.Pro25Argfs*47) in the RB1 gene. It is expected to result in an absent or disrupted protein product. For these reasons, this variant has been classified as Pathogenic.

Literature cited by the submitters: PubMed 17096365; PubMed 24688104.